The following is an entry in ClinVar:

ClinVar aggregate classification (germline): Benign. Review status: criteria provided, multiple submitters, no conflicts (2 of 4 stars). 2 submissions from 2 submitters: Benign (2). Last evaluated 2018-01-12.

Conditions:
Peroxisome biogenesis disorder 5A (Zellweger) (PBD5A). Identifiers: Orphanet 912, MedGen C3553940, MONDO:0013932, OMIM 614866.

Allele frequency attached by ClinVar (database versions not stated): TOPMed 0.03365; gnomAD 0.03415 and 0.03352; 1000 Genomes Project 0.03554; 1000 Genomes Project 30x 0.03654.

Submissions (2):

Illumina Laboratory Services, Illumina
Classification: Benign for Peroxisome biogenesis disorder 5A (Zellweger). Last evaluated: 2018-01-12. Review status: criteria provided, single submitter. Criteria: ICSL Variant Classification Criteria 13 December 2019. Collection method: clinical testing. Allele origin: germline.
Comment: This variant was observed in the ICSL laboratory as part of a predisposition screen in an ostensibly healthy population. It had not been previously curated by ICSL or reported in the Human Gene Mutation Database (HGMD: prior to June 1st, 2018), and was therefore a candidate for classification through an automated scoring system. Utilizing variant allele frequency, disease prevalence and penetrance estimates, and inheritance mode, an automated score was calculated to assess if this variant is too frequent to cause the disease. Based on the score and internal cut-off values, a variant classified as benign is not then subjected to further curation. The score for this variant resulted in a classification of benign for this disease.

Breakthrough Genomics
Classification: Benign. Review status: criteria provided, single submitter. Criteria: ACMG Guidelines, 2015. Collection method: not provided. Allele origin: germline. Inheritance: Autosomal recessive inheritance. Affected: yes.

NM_000318.3(PEX2):c.*2142A>G

Gene: PEX2 (peroxisomal biogenesis factor 2; minus strand). Cytogenetic location: 8q21.13.
Variant type: single nucleotide variant.
Coding change: c.*2142A>G on transcript NM_000318.3 (MANE Select); 2142 bases downstream of the stop codon, A replaced by G.
Molecular consequence: 3 prime UTR variant.
Genome position (GRCh38, 1-based): chr8:76,981,119, T>C on the plus strand (A>G on the coding strand, the complement: PEX2 is on the minus strand). VCF-style: chr8-76981119-T-C. GRCh37 (hg19) VCF-style: chr8-77893355-T-C.
Other names: c.*2142A>G (NM_001079867.2, NM_001172086.2, NM_001172087.2).
Identifiers: ClinVar variation 363781 (VCV000363781.6), dbSNP rs79700176, ClinGen allele CA10631562.